The following is an entry in ClinVar:

ClinVar aggregate classification (germline): Likely benign (0 of 4 stars; one submission).

Conditions:
DNMT3A-related disorder. Also called: DNMT3A-related disorders; DNMT3A-related condition.

gnomAD v4.1: 17 of 1,614,110 alleles (0.0011%); highest among the groups gnomAD compares: East Asian, 0.022%; no homozygotes.

Submission:

PreventionGenetics, part of Exact Sciences
Classification: Likely benign for DNMT3A-related condition. Last evaluated: 2022-04-01. Review status: no assertion criteria provided. Collection method: clinical testing. Allele origin: germline.
Comment: This variant is classified as likely benign based on ACMG/AMP sequence variant interpretation guidelines (Richards et al. 2015 PMID: 25741868, with internal and published modifications).

NM_022552.5(DNMT3A):c.640-1417C>T

Gene: DNMT3A (DNA methyltransferase 3 alpha; minus strand). Cytogenetic location: 2p23.3.
Variant type: single nucleotide variant.
Coding change: c.640-1417C>T on transcript NM_022552.5 (MANE Select); 1417 bases into the intron before coding-DNA position 640, C replaced by T.
Molecular consequence: intron variant. On other transcripts: synonymous variant (1).
Genome position (GRCh38, 1-based): chr2:25,249,669, G>A on the plus strand (C>T on the coding strand, the complement: DNMT3A is on the minus strand). VCF-style: chr2-25249669-G-A. GRCh37 (hg19) VCF-style: chr2-25472538-G-A.
Other names: c.60C>T, p.Asp20= (NM_153759.3); c.640-1417C>T (NM_175629.2); c.184-1417C>T (NM_001320893.1); c.-30-1417C>T (NM_001375819.1).
Identifiers: ClinVar variation 3354422 (VCV003354422.1).